The following is an entry in ClinVar:

ClinVar aggregate classification (germline): Likely pathogenic. Review status: criteria provided, multiple submitters, no conflicts (2 of 4 stars). 3 submissions from 3 submitters: Likely pathogenic (3). Last evaluated 2021-08-31.

Conditions:
Osteogenesis imperfecta with normal sclerae, dominant form (OI4). Also called: OSTEOGENESIS IMPERFECTA, TYPE IV, WITH DENTINOGENESIS IMPERFECTA; OSTEOGENESIS IMPERFECTA WITH NORMAL SCLERAE; Osteogenesis imperfecta type 4; Osteogenesis Imperfecta Type IV; Common Variable Osteogenesis Imperfecta with Normal Sclerae. Identifiers: Orphanet 216820, Orphanet 666, MedGen C0268363, MONDO:0008148, OMIM 166220.
Ehlers-Danlos syndrome, arthrochalasia type, 2. Also called: EHLERS-DANLOS SYNDROME, TYPE VIIB, AUTOSOMAL DOMINANT. Identifiers: MedGen CN293783, MONDO:0040501, OMIM 617821.
Osteogenesis imperfecta, perinatal lethal (OI2). Also called: OSTEOGENESIS IMPERFECTA, TYPE II; OI, TYPE II; OSTEOGENESIS IMPERFECTA CONGENITA; VROLIK TYPE OF OSTEOGENESIS IMPERFECTA; Osteogenesis imperfecta type 2; Osteogenesis imperfecta, dominant perinatal lethal. Identifiers: Orphanet 216804, MedGen C0268358, MONDO:0008147, OMIM 166210.
Combined osteogenesis imperfecta and Ehlers-Danlos syndrome 2. Also called: OIEDS SYNDROME 2. Identifiers: MedGen C5436847, MONDO:0030855, OMIM 619120.
Osteogenesis imperfecta type III (OI3). Also called: Osteogenesis imperfecta type 3; OI type 3; Osteogenesis imperfecta, progressively deforming with normal sclerae; OI type III; Progressively Deforming Osteogenesis Imperfecta. Identifiers: Orphanet 216812, Orphanet 666, MedGen C0268362, MONDO:0009804, OMIM 259420.
Ehlers-Danlos syndrome, cardiac valvular type. Identifiers: Orphanet 230851, MedGen C4303789, MONDO:0009159, OMIM 225320.
Osteoporosis. Identifiers: MedGen C0029456, MONDO:0005298, OMIM 166710, HP:0000939.
COL1A2-related disorder. Also called: COL1A2-related condition; COL1A2-Related Disorders.

Submissions (3):

Laboratorio de Genetica e Diagnostico Molecular, Hospital Israelita Albert Einstein
Classification: Likely pathogenic for Osteogenesis imperfecta with normal sclerae, dominant form. Last evaluated: 2021-08-31. Review status: criteria provided, single submitter. Criteria: ACMG Guidelines, 2015. Collection method: clinical testing. Allele origin: germline. Affected: yes.
Comment: ACMG classification criteria: PM1 strong, PM2 moderate, PP3 supporting

Blueprint Genetics
Classification: Likely pathogenic for COL1A2-related disorders. Last evaluated: 2019-02-04. Review status: criteria provided, single submitter. Criteria: ACMG Guidelines, 2015. Collection method: clinical testing. Allele origin: germline. Affected: yes. Observed: 1 variant allele.

Juno Genomics, Hangzhou Juno Genomics, Inc
Classification: Likely pathogenic for Osteoporosis; Combined osteogenesis imperfecta and Ehlers-Danlos syndrome 2; Ehlers-Danlos syndrome, arthrochalasia type, 2; Ehlers-Danlos syndrome, cardiac valvular type; Osteogenesis imperfecta, perinatal lethal; Osteogenesis imperfecta type III; Osteogenesis imperfecta with normal sclerae, dominant form. Review status: criteria provided, single submitter. Criteria: ACMG Guidelines, 2015. Collection method: clinical testing. Allele origin: germline. Affected: yes.
Comment: Absent from controls (or at extremely low frequency if recessive) in Genome Aggregation Database.;Multiple lines of computational evidence support a deleterious effect on the gene or gene product.;Missense variant in a gene that has a low rate of benign missense variation.

NM_000089.4(COL1A2):c.2701G>T (p.Gly901Cys)

Gene: COL1A2 (collagen type I alpha 2 chain; plus strand). Cytogenetic location: 7q21.3.
Variant type: single nucleotide variant.
Coding change: c.2701G>T on transcript NM_000089.4 (MANE Select); coding-DNA position 2701, G replaced by T.
Protein change: p.Gly901Cys; replaces glycine 901 with cysteine.
Molecular consequence: missense variant.
Genome position (GRCh38, 1-based): chr7:94,425,144, G>T. VCF-style: chr7-94425144-G-T. GRCh37 (hg19) VCF-style: chr7-94054456-G-T.
Other names: short protein forms G901C.
Identifiers: ClinVar variation 1224380 (VCV001224380.5), dbSNP rs72659306, ClinGen allele CA368224443.